The following is an entry in ClinVar:

NM_001375808.2(LPIN2):c.853C>T (p.Pro285Ser)

Gene: LPIN2 (lipin 2; minus strand). Cytogenetic location: 18p11.31.
Variant type: single nucleotide variant.
Coding change: c.853C>T on transcript NM_001375808.2 (MANE Select); coding-DNA position 853, C replaced by T.
Protein change: p.Pro285Ser; replaces proline 285 with serine.
Molecular consequence: missense variant.
Genome position (GRCh38, 1-based): chr18:2,938,007, G>A on the plus strand (C>T on the coding strand, the complement: LPIN2 is on the minus strand). VCF-style: chr18-2938007-G-A. GRCh37 (hg19) VCF-style: chr18-2938005-G-A.
Other names: c.853C>T, p.Pro285Ser (NM_001375809.1, NM_014646.2); short protein forms P285S.
Identifiers: ClinVar variation 3684268 (VCV003684268.2).

ClinVar aggregate classification (germline): Uncertain significance (1 of 4 stars; one submission).

Conditions:
Majeed syndrome (MJDS). Also called: LPIN2-Related Majeed Syndrome; CHRONIC RECURRENT MULTIFOCAL OSTEOMYELITIS 1, WITH CONGENITAL DYSERYTHROPOIETIC ANEMIA, WITH OR WITHOUT NEUTROPHILIC DERMATOSIS. Identifiers: Orphanet 77297, MedGen C1864997, MONDO:0012316, OMIM 609628.

Submission:

Labcorp Genetics (formerly Invitae), Labcorp
Classification: Uncertain significance for Majeed syndrome. Last evaluated: 2025-02-19. Review status: criteria provided, single submitter. Criteria: Invitae Variant Classification Sherloc (09022015). Collection method: clinical testing. Allele origin: germline.
Comment: This sequence change replaces proline, which is neutral and non-polar, with serine, which is neutral and polar, at codon 285 of the LPIN2 protein (p.Pro285Ser). This variant is not present in population databases (gnomAD no frequency). This variant has not been reported in the literature in individuals affected with LPIN2-related conditions. Invitae Evidence Modeling of protein sequence and biophysical properties (such as structural, functional, and spatial information, amino acid conservation, physicochemical variation, residue mobility, and thermodynamic stability) indicates that this missense variant is not expected to disrupt LPIN2 protein function with a negative predictive value of 80%. In summary, the available evidence is currently insufficient to determine the role of this variant in disease. Therefore, it has been classified as a Variant of Uncertain Significance.